The following is an entry in ClinVar:

ClinVar aggregate classification (germline): Uncertain significance (1 of 4 stars; one submission).

Submission:

Labcorp Genetics (formerly Invitae), Labcorp
Classification: Uncertain significance. Last evaluated: 2022-10-17. Review status: criteria provided, single submitter. Criteria: Invitae Variant Classification Sherloc (09022015). Collection method: clinical testing. Allele origin: germline.
Comment: In summary, the available evidence is currently insufficient to determine the role of this variant in disease. Therefore, it has been classified as a Variant of Uncertain Significance. Experimental studies and prediction algorithms are not available or were not evaluated, and the functional significance of this variant is currently unknown. ClinVar contains an entry for this variant (Variation ID: 998727). This variant has not been reported in the literature in individuals affected with CTF1-related conditions. The frequency data for this variant in the population databases is considered unreliable, as metrics indicate insufficient coverage at this position in the gnomAD database. This variant, c.346_375del, results in the deletion of 10 amino acid(s) of the CTF1 protein (p.Pro116_Ala125del), but otherwise preserves the integrity of the reading frame.

NM_001330.5(CTF1):c.346_375del (p.Pro116_Ala125del)

Genes: CTF1 (cardiotrophin 1; plus strand), LOC130058878 (ATAC-STARR-seq lymphoblastoid silent region 7400; plus strand). Cytogenetic location: 16p11.2.
Variant type: Deletion.
Coding change: c.346_375del on transcript NM_001330.5 (MANE Select); coding-DNA positions 346 to 375, 30 bases deleted (CCGCGCCTGCTGCGCCGCCTGGAGGACGCG).
Protein change: p.Pro116_Ala125del.
Molecular consequence: inframe deletion. On other transcripts: non-coding transcript variant (1).
Genome position (GRCh38, 1-based): chr16:30,902,279-30,902,308, CCGCGCCTGCTGCGCCGCCTGGAGGACGCG deleted; deleting any 30 consecutive bases within chr16:30,902,275-30,902,308 gives the same sequence; the c. name uses the placement nearest the transcript's 3' end. VCF-style (leftmost placement, unchanged base first): chr16-30902274-GCGCGCCGCGCCTGCTGCGCCGCCTGGAGGA-G. GRCh37 (hg19) VCF-style: chr16-30913595-GCGCGCCGCGCCTGCTGCGCCGCCTGGAGGA-G.
Other names: c.343_372del, p.Pro115_Ala124del (NM_001142544.3).
Identifiers: ClinVar variation 998727 (VCV000998727.9), dbSNP rs2055408775, ClinGen allele CA2216764889.